The following is an entry in ClinVar:

NM_001429.4(EP300):c.6449_6460del (p.2146PQQQ[1])

Gene: EP300 (EP300 lysine acetyltransferase; plus strand). Cytogenetic location: 22q13.2.
Variant type: Deletion.
Coding change: c.6449_6460del on transcript NM_001429.4 (MANE Select); coding-DNA positions 6449 to 6460, 12 bases deleted (CACAGCAGCAAC).
Protein change: p.2146PQQQ[1].
Molecular consequence: inframe deletion.
Genome position (GRCh38, 1-based): chr22:41,178,160-41,178,171, CACAGCAGCAAC deleted; deleting any 12 consecutive bases within chr22:41,178,150-41,178,171 gives the same sequence; the c. name uses the placement nearest the transcript's 3' end. VCF-style (leftmost placement, unchanged base first): chr22-41178149-CCAGCAGCAACCA-C. GRCh37 (hg19) VCF-style: chr22-41574153-CCAGCAGCAACCA-C.
Other names: c.6449_6460del12 (NM_001429.3); c.6371_6382del, p.2120PQQQ[1] (NM_001362843.2).
Identifiers: ClinVar variation 1215561 (VCV001215561.11), dbSNP rs758586599, ClinGen allele CA10253858.

ClinVar aggregate classification (germline): Conflicting classifications of pathogenicity. Review status: criteria provided, conflicting classifications (1 of 4 stars). 4 submissions from 4 submitters: Uncertain significance (1); Likely benign (2). 1 of the submissions does not count toward it. Last evaluated 2025-03-05.

Conditions:
EP300-related disorder. Also called: EP300-related disorders; EP300-related condition.
Rubinstein-Taybi syndrome due to EP300 haploinsufficiency. Also called: EP300-Related Rubinstein-Taybi Syndrome; RUBINSTEIN-TAYBI SYNDROME 2. Identifiers: Orphanet 353284, Orphanet 783, MedGen C3150941, MONDO:0013364, OMIM 613684.

Submissions (4):

Labcorp Genetics (formerly Invitae), Labcorp
Classification: Uncertain significance for Rubinstein-Taybi syndrome due to EP300 haploinsufficiency. Last evaluated: 2025-03-05. Review status: criteria provided, single submitter. Criteria: Invitae Variant Classification Sherloc (09022015). Collection method: clinical testing. Allele origin: germline.
Comment: This variant, c.6449_6460del, results in the deletion of 4 amino acid(s) of the EP300 protein (p.Pro2150_Gln2153del), but otherwise preserves the integrity of the reading frame. This variant is present in population databases (rs758586599, gnomAD 0.03%). This variant has not been reported in the literature in individuals affected with EP300-related conditions. ClinVar contains an entry for this variant (Variation ID: 1215561). Experimental studies and prediction algorithms are not available or were not evaluated, and the functional significance of this variant is currently unknown. In summary, the available evidence is currently insufficient to determine the role of this variant in disease. Therefore, it has been classified as a Variant of Uncertain Significance.

Blueprint Genetics
Classification: Likely benign. Last evaluated: 2024-09-10. Review status: criteria provided, single submitter. Criteria: ACMG Guidelines, 2015. Collection method: clinical testing. Allele origin: germline.

GeneDx
Classification: Likely benign. Last evaluated: 2020-03-13. Review status: criteria provided, single submitter. Criteria: GeneDx Variant Classification Process June 2021. Collection method: clinical testing. Allele origin: germline. Affected: yes.

PreventionGenetics, part of Exact Sciences
Classification: Uncertain significance for EP300-related condition. Last evaluated: 2023-10-18. Review status: no assertion criteria provided. Collection method: clinical testing. Allele origin: germline. Not counted in ClinVar's aggregate classification.
Comment: The EP300 c.6449_6460del12 variant is predicted to result in an in-frame deletion (p.Pro2150_Gln2153del). To our knowledge, this variant has not been reported in the literature. This variant is reported in 0.028% of alleles in individuals of Latino descent in gnomAD. Although we suspect that this variant may be benign, at this time, the clinical significance of this variant is uncertain due to the absence of conclusive functional and genetic evidence.